The following is an entry in ClinVar:

NM_014336.5(AIPL1):c.642+3C>T

Gene: AIPL1 (AIP like 1 HSP90 co-chaperone; minus strand). Cytogenetic location: 17p13.2.
Variant type: single nucleotide variant.
Coding change: c.642+3C>T on transcript NM_014336.5 (MANE Select); 3 bases into the intron after coding-DNA position 642, C replaced by T.
Molecular consequence: intron variant.
Genome position (GRCh38, 1-based): chr17:6,426,878, G>A on the plus strand (C>T on the coding strand, the complement: AIPL1 is on the minus strand). VCF-style: chr17-6426878-G-A. GRCh37 (hg19) VCF-style: chr17-6330198-G-A.
Other names: c.462+3C>T (NM_001033055.3); c.576+3C>T (NM_001285400.3); c.606+3C>T (NM_001285399.3); c.453+3C>T (NM_001033054.3); c.642+3C>T (NM_001285401.3); c.525+3C>T (NM_001285402.2); c.618+3C>T (NM_001285403.4).
Identifiers: ClinVar variation 2078089 (VCV002078089.2), dbSNP rs1567636943, ClinGen allele CA2245347824.

ClinVar aggregate classification (germline): Uncertain significance (1 of 4 stars; one submission).

Conditions:
Leber congenital amaurosis 4 (LCA4). Identifiers: MedGen C1858386, MONDO:0011458, OMIM 604393.

Allele frequency attached by ClinVar (database versions not stated): gnomAD exomes 0.00001.
gnomAD v4.1: 7 of 1,614,086 alleles (0.00043%); highest among the groups gnomAD compares: Non-Finnish European, 0.00059%; no homozygotes.

Submission:

Labcorp Genetics (formerly Invitae), Labcorp
Classification: Uncertain significance for Leber congenital amaurosis 4. Last evaluated: 2022-11-28. Review status: criteria provided, single submitter. Criteria: Invitae Variant Classification Sherloc (09022015). Collection method: clinical testing. Allele origin: germline.
Comment: This sequence change falls in intron 4 of the AIPL1 gene. It does not directly change the encoded amino acid sequence of the AIPL1 protein. It affects a nucleotide within the consensus splice site. In summary, the available evidence is currently insufficient to determine the role of this variant in disease. Therefore, it has been classified as a Variant of Uncertain Significance. Variants that disrupt the consensus splice site are a relatively common cause of aberrant splicing (PMID: 17576681, 9536098). Algorithms developed to predict the effect of sequence changes on RNA splicing suggest that this variant is not likely to affect RNA splicing. This variant has not been reported in the literature in individuals affected with AIPL1-related conditions. This variant is not present in population databases (gnomAD no frequency).

Literature cited by the submitters: PubMed 17576681; PubMed 9536098.